The following is an entry in ClinVar:

NM_198239.2(CCN6):c.616A>G (p.Lys206Glu)

Gene: CCN6 (cellular communication network factor 6; plus strand). Cytogenetic location: 6q21.
Variant type: single nucleotide variant.
Coding change: c.616A>G on transcript NM_198239.2 (MANE Select); coding-DNA position 616, A replaced by G.
Protein change: p.Lys206Glu; replaces lysine 206 with glutamic acid.
Molecular consequence: missense variant. On other transcripts: non-coding transcript variant (2).
Genome position (GRCh38, 1-based): chr6:112,068,231, A>G. VCF-style: chr6-112068231-A-G. GRCh37 (hg19) VCF-style: chr6-112389434-A-G.
Other names: c.616A>G (NM_003880.3); c.616A>G, p.Lys206Glu (NM_003880.4); short protein forms K206E.
Identifiers: ClinVar variation 1915445 (VCV001915445.6), dbSNP rs2546928894, ClinGen allele CA365374276.
Genomic context (GRCh38, chr6:112,068,231, plus strand): 5'-TGTATACATATGTACTTTTCTCCCTTTGTTTTAGCTTATAGAAATCTCCCACTTATTTGG[A>G]AAAAAAAATGTCTTGTGCAAGCAACAAAATGGACTCCCTGCTCCAGAACATGTGGGATGG-3'
Protein context (NP_937882.2, residues 196-216): PAYRNLPLIW[Lys206Glu]KKCLVQATKW

ClinVar aggregate classification (germline): Uncertain significance. Review status: criteria provided, multiple submitters, no conflicts (2 of 4 stars). 2 submissions from 2 submitters: Uncertain significance (2). Last evaluated 2023-12-11.

Conditions:
Inborn genetic diseases. Identifiers: MedGen C0950123, MeSH D030342.

Allele frequency attached by ClinVar (database versions not stated): gnomAD exomes below 0.00001.
gnomAD v4.1: 3 of 1,593,920 alleles (0.00019%); highest among the groups gnomAD compares: Admixed American, 0.0017%; no homozygotes.

Submissions (2):

Labcorp Genetics (formerly Invitae), Labcorp
Classification: Uncertain significance. Last evaluated: 2023-12-11. Review status: criteria provided, single submitter. Criteria: Invitae Variant Classification Sherloc (09022015). Collection method: clinical testing. Allele origin: germline.
Comment: This sequence change replaces lysine, which is basic and polar, with glutamic acid, which is acidic and polar, at codon 206 of the WISP3 protein (p.Lys206Glu). This variant is not present in population databases (gnomAD no frequency). This variant has not been reported in the literature in individuals affected with WISP3-related conditions. ClinVar contains an entry for this variant (Variation ID: 1915445). Advanced modeling of protein sequence and biophysical properties (such as structural, functional, and spatial information, amino acid conservation, physicochemical variation, residue mobility, and thermodynamic stability) performed at Invitae indicates that this missense variant is not expected to disrupt WISP3 protein function with a negative predictive value of 80%. In summary, the available evidence is currently insufficient to determine the role of this variant in disease. Therefore, it has been classified as a Variant of Uncertain Significance.

Ambry Genetics
Classification: Uncertain significance for Inborn genetic diseases. Last evaluated: 2021-08-19. Review status: criteria provided, single submitter. Criteria: Ambry Variant Classification Scheme 2023. Collection method: clinical testing. Allele origin: germline.